The following is an entry in ClinVar:

NM_001379451.1(BCORL1):c.1130C>A (p.Ala377Asp)

Gene: BCORL1 (BCL6 corepressor like 1; plus strand). Cytogenetic location: Xq26.1.
Variant type: single nucleotide variant.
Coding change: c.1130C>A on transcript NM_001379451.1 (MANE Select); coding-DNA position 1130, C replaced by A.
Protein change: p.Ala377Asp; replaces alanine 377 with aspartic acid.
Molecular consequence: missense variant.
Genome position (GRCh38, 1-based): chrX:130,013,902, C>A. VCF-style: chrX-130013902-C-A. GRCh37 (hg19) VCF-style: chrX-129147878-C-A.
Other names: c.1130C>A, p.Ala377Asp (NM_001184772.3, NM_001379450.1, NM_021946.5); short protein forms A377D.
Identifiers: ClinVar variation 1700799 (VCV001700799.3), dbSNP rs768067473, ClinGen allele CA414580041.

ClinVar aggregate classification (germline): Likely benign (1 of 4 stars; one submission).

gnomAD v4.1: 1 of 1,165,918 alleles (0.000086%); highest among the groups gnomAD compares: Non-Finnish European, 0.00011%; no homozygotes.

Submission:

GeneDx
Classification: Likely benign. Last evaluated: 2022-09-28. Review status: criteria provided, single submitter. Criteria: GeneDx Variant Classification Process June 2021. Collection method: clinical testing. Allele origin: germline. Affected: yes.
Comment: See Variant Classification Assertion Criteria.